The following is an entry in ClinVar:

NM_030957.4(ADAMTS10):c.278G>A (p.Arg93His)

Gene: ADAMTS10 (ADAM metallopeptidase with thrombospondin type 1 motif 10; minus strand). Cytogenetic location: 19p13.2.
Variant type: single nucleotide variant.
Coding change: c.278G>A on transcript NM_030957.4 (MANE Select); coding-DNA position 278, G replaced by A.
Protein change: p.Arg93His; replaces arginine 93 with histidine.
Molecular consequence: missense variant.
Genome position (GRCh38, 1-based): chr19:8,605,169, C>T on the plus strand (G>A on the coding strand, the complement: ADAMTS10 is on the minus strand). VCF-style: chr19-8605169-C-T. GRCh37 (hg19) VCF-style: chr19-8670054-C-T.
Other names: c.278G>A (NM_030957.2); short protein forms R93H.
Identifiers: ClinVar variation 1363530 (VCV001363530.4), dbSNP rs138970947, ClinGen allele CA9160889.

ClinVar aggregate classification (germline): Conflicting classifications of pathogenicity. Review status: criteria provided, conflicting classifications (1 of 4 stars). 2 submissions from 2 submitters: Uncertain significance (1); Likely benign (1). Last evaluated 2025-11-26.

Conditions:
Inborn genetic diseases. Identifiers: MedGen C0950123, MeSH D030342.

Allele frequency attached by ClinVar (database versions not stated): gnomAD exomes 0.00008; 1000 Genomes Project 30x 0.00047; 1000 Genomes Project 0.00040; ExAC 0.00007; gnomAD 0.00024 and 0.00025; ESP Exome Variant Server 0.00015; TOPMed 0.00022.
gnomAD v4.1: 126 of 1,614,022 alleles (0.0078%); highest among the groups gnomAD compares: African/African-American, 0.072%; 1 homozygote.

Submissions (2):

Ambry Genetics
Classification: Likely benign for Inborn genetic diseases. Last evaluated: 2025-11-26. Review status: criteria provided, single submitter. Criteria: Ambry Variant Classification Scheme 2023. Collection method: clinical testing. Allele origin: germline.

Labcorp Genetics (formerly Invitae), Labcorp
Classification: Uncertain significance. Last evaluated: 2022-06-09. Review status: criteria provided, single submitter. Criteria: Invitae Variant Classification Sherloc (09022015). Collection method: clinical testing. Allele origin: germline.
Comment: This sequence change replaces arginine, which is basic and polar, with histidine, which is basic and polar, at codon 93 of the ADAMTS10 protein (p.Arg93His). This variant is present in population databases (rs138970947, gnomAD 0.08%). This variant has not been reported in the literature in individuals affected with ADAMTS10-related conditions. Algorithms developed to predict the effect of missense changes on protein structure and function output the following: SIFT: "Tolerated"; PolyPhen-2: "Benign"; Align-GVGD: "Class C0". The histidine amino acid residue is found in multiple mammalian species, which suggests that this missense change does not adversely affect protein function. In summary, the available evidence is currently insufficient to determine the role of this variant in disease. Therefore, it has been classified as a Variant of Uncertain Significance.